The following is an entry in ClinVar:

ClinVar aggregate classification (germline): Benign/Likely benign. Review status: criteria provided, multiple submitters, no conflicts (2 of 4 stars). 2 submissions from 2 submitters: Benign (1); Likely benign (1). Last evaluated 2024-09-10.

Conditions:
Hereditary cancer-predisposing syndrome. Also called: Neoplastic Syndromes, Hereditary; Hereditary neoplastic syndrome; Tumor predisposition; Hereditary Cancer Syndrome. Identifiers: Orphanet 140162, MedGen C0027672, MeSH D009386, MONDO:0015356.
Hereditary diffuse gastric adenocarcinoma (HDGC). Also called: DIFFUSE GASTRIC AND LOBULAR BREAST CANCER SYNDROME. Identifiers: Orphanet 26106, MedGen C1708349, MONDO:0007648, OMIM 137215.

Submissions (2):

Myriad Genetics, Inc.
Classification: Benign for Hereditary diffuse gastric adenocarcinoma. Last evaluated: 2024-09-10. Review status: criteria provided, single submitter. Criteria: Myriad Autosomal Dominant, Autosomal Recessive and X-Linked Classification Criteria (2023). Collection method: clinical testing. Allele origin: unknown.
Comment: This variant is considered benign. This variant is a silent/synonymous amino acid change and it is not expected to impact splicing.

Ambry Genetics
Classification: Likely benign for Hereditary cancer-predisposing syndrome. Last evaluated: 2024-05-16. Review status: criteria provided, single submitter. Criteria: Ambry Variant Classification Scheme 2023. Collection method: clinical testing. Allele origin: germline.

NM_004360.5(CDH1):c.43C>T (p.Leu15=)

Gene: CDH1 (cadherin 1; plus strand). Cytogenetic location: 16q22.1.
Variant type: single nucleotide variant.
Coding change: c.43C>T on transcript NM_004360.5 (MANE Select); coding-DNA position 43, C replaced by T.
Protein change: p.Leu15=; no amino-acid change (leucine 15 retained).
Molecular consequence: synonymous variant. On other transcripts: 5 prime UTR variant (2).
Genome position (GRCh38, 1-based): chr16:68,737,458, C>T. VCF-style: chr16-68737458-C-T. GRCh37 (hg19) VCF-style: chr16-68771361-C-T.
Other names: c.43C>T, p.Leu15= (NM_001317184.2); c.-1573C>T (NM_001317185.2); c.-1777C>T (NM_001317186.2).
Identifiers: ClinVar variation 3265111 (VCV003265111.2).